The following is an entry in ClinVar:

NM_000875.5(IGF1R):c.1289A>G (p.Gln430Arg)

Gene: IGF1R (insulin like growth factor 1 receptor; plus strand). Cytogenetic location: 15q26.3.
Variant type: single nucleotide variant.
Coding change: c.1289A>G on transcript NM_000875.5 (MANE Select); coding-DNA position 1289, A replaced by G.
Protein change: p.Gln430Arg; replaces glutamine 430 with arginine.
Molecular consequence: missense variant.
Genome position (GRCh38, 1-based): chr15:98,908,726, A>G. VCF-style: chr15-98908726-A-G. GRCh37 (hg19) VCF-style: chr15-99451955-A-G.
Other names: c.1289A>G, p.Gln430Arg (NM_001291858.2); short protein forms Q430R.
Identifiers: ClinVar variation 1352171 (VCV001352171.6), dbSNP rs2151670129, ClinGen allele CA393674945.
Genomic context (GRCh38, chr15:98,908,726, plus strand): 5'-TCGATTTCTGTGCTTCTAGGAATTACTCCTTCTACGTCCTCGACAACCAGAACTTGCAGC[A>G]ACTGTGGGACTGGGACCACCGCAACCTGACCATCAAAGCAGGGAAAATGTACTTTGCTTT-3'
Protein context (NP_000866.1, residues 420-440): FYVLDNQNLQ[Gln430Arg]LWDWDHRNLT

ClinVar aggregate classification (germline): Uncertain significance (1 of 4 stars; one submission).

gnomAD v4.1: 1 of 1,614,108 alleles (0.000062%); highest among the groups gnomAD compares: Non-Finnish European, 0.000085%; no homozygotes.

Submission:

Labcorp Genetics (formerly Invitae), Labcorp
Classification: Uncertain significance. Last evaluated: 2022-06-05. Review status: criteria provided, single submitter. Criteria: Invitae Variant Classification Sherloc (09022015). Collection method: clinical testing. Allele origin: germline.
Comment: This sequence change replaces glutamine, which is neutral and polar, with arginine, which is basic and polar, at codon 430 of the IGF1R protein (p.Gln430Arg). This variant is not present in population databases (gnomAD no frequency). This variant has not been reported in the literature in individuals affected with IGF1R-related conditions. ClinVar contains an entry for this variant (Variation ID: 1352171). Algorithms developed to predict the effect of missense changes on protein structure and function (SIFT, PolyPhen-2, Align-GVGD) all suggest that this variant is likely to be disruptive. In summary, the available evidence is currently insufficient to determine the role of this variant in disease. Therefore, it has been classified as a Variant of Uncertain Significance.